The following is an entry in ClinVar:

ClinVar aggregate classification (germline): Uncertain significance (1 of 4 stars; one submission).

Conditions:
TELO2-related intellectual disability-neurodevelopmental disorder. Also called: You-Hoover-Fong syndrome. Identifiers: Orphanet 488642, MedGen C4310778, MONDO:0014848, OMIM 616954.

gnomAD v4.1: 1 of 1,600,626 alleles (0.000062%); highest among the groups gnomAD compares: East Asian, 0.0022%; no homozygotes.

Submission:

Laboratorio de Biologia Molecular/Medicina Genomica - IFF/Fiocruz, Instituto Fernandes Figueira, Fundacao Oswaldo Cruz
Classification: Uncertain significance for TELO2-related intellectual disability-neurodevelopmental disorder. Last evaluated: 2025-09-02. Review status: criteria provided, single submitter. Criteria: ACMG Guidelines, 2015. Collection method: clinical testing. Allele origin: germline. Affected: yes. Observed: 1 variant allele.
Comment: Variant: c.2336T>C (p.Leu779Pro) in exon 20 of the TELO2 gene. Protein effect: Missense variant at a highly conserved residue. In silico tools: Do not predict a deleterious impact. Population database (gnomAD): Absent. ACMG/AMP criteria applied: PM2_Supporting.

NM_016111.4(TELO2):c.2336T>C (p.Leu779Pro)

Gene: TELO2 (telomere maintenance 2; plus strand). Cytogenetic location: 16p13.3.
Variant type: single nucleotide variant.
Coding change: c.2336T>C on transcript NM_016111.4 (MANE Select); coding-DNA position 2336, T replaced by C.
Protein change: p.Leu779Pro; replaces leucine 779 with proline.
Molecular consequence: missense variant.
Genome position (GRCh38, 1-based): chr16:1,507,645, T>C. VCF-style: chr16-1507645-T-C. GRCh37 (hg19) VCF-style: chr16-1557646-T-C.
Other names: c.2336T>C, p.Leu779Pro (NM_001351846.2); short protein forms L779P.
Identifiers: ClinVar variation 4795171 (VCV004795171.1).